The following is an entry in ClinVar:

NM_015662.3(IFT172):c.2116-5C>G

Gene: IFT172 (intraflagellar transport 172; minus strand). Cytogenetic location: 2p23.3.
Variant type: single nucleotide variant.
Coding change: c.2116-5C>G on transcript NM_015662.3 (MANE Select); 5 bases into the intron before coding-DNA position 2116, C replaced by G.
Molecular consequence: intron variant.
Genome position (GRCh38, 1-based): chr2:27,461,841, G>C on the plus strand (C>G on the coding strand, the complement: IFT172 is on the minus strand). VCF-style: chr2-27461841-G-C. GRCh37 (hg19) VCF-style: chr2-27684708-G-C.
Other names: c.2116-5C>G (NM_015662.2).
Identifiers: ClinVar variation 2147813 (VCV002147813.7), dbSNP rs754154643, ClinGen allele CA1580397.
Genomic context (GRCh38, chr2:27,461,841, plus strand): 5'-CACTCATCCCAACGGTGTAGCTCCTGGTACATGCCCATGGCCTCCTCCACAGCATTCTAG[G>C]GGAAACAGGCAGAGCAGAGAGGGACACCAGAAAGATATGAGGATCAGAAAGCAGCAAGCT-3'

ClinVar aggregate classification (germline): Likely benign. Review status: criteria provided, single submitter (1 of 4 stars). 2 submissions from 2 submitters: Likely benign (1). 1 of the submissions does not count toward it. Last evaluated 2025-06-10.

Conditions:
IFT172-related disorder. Also called: IFT172-related condition; IFT172-related disorders.
Short-rib thoracic dysplasia 10 with or without polydactyly (SRTD10). Identifiers: Orphanet 474, MedGen C3810175, MONDO:0014284, OMIM 615630.
Retinitis pigmentosa 71 (RP71). Identifiers: Orphanet 791, MedGen C4225342, MONDO:0014618, OMIM 616394.

gnomAD v4.1: 6 of 1,613,988 alleles (0.00037%); highest among the groups gnomAD compares: East Asian, 0.0067%; no homozygotes.

Submissions (3):

Labcorp Genetics (formerly Invitae), Labcorp
Classification: Likely benign for Retinitis pigmentosa 71; Short-rib thoracic dysplasia 10 with or without polydactyly. Last evaluated: 2025-06-10. Review status: criteria provided, single submitter. Criteria: Invitae Variant Classification Sherloc (09022015). Collection method: clinical testing. Allele origin: germline.

PreventionGenetics, part of Exact Sciences
Classification: Likely benign for IFT172-related condition. Last evaluated: 2019-08-06. Review status: no assertion criteria provided. Collection method: clinical testing. Allele origin: germline. Not counted in ClinVar's aggregate classification.
Comment: This variant is classified as likely benign based on ACMG/AMP sequence variant interpretation guidelines (Richards et al. 2015 PMID: 25741868, with internal and published modifications).

Dr. Peter K. Rogan Lab, Western University
No classification provided (evidence only). Condition: Ovarian serous cystadenocarcinoma. Review status: no classification provided. Collection method: in vitro. Allele origin: not applicable. Functional consequence: retained intron. Not counted in ClinVar's aggregate classification.